The following is an entry in ClinVar:

ClinVar aggregate classification (germline): Conflicting classifications of pathogenicity. Review status: criteria provided, conflicting classifications (1 of 4 stars). 12 submissions from 12 submitters: Uncertain significance (3); Benign (1); Likely benign (6). 2 of the submissions do not count toward it. Last evaluated 2026-01-26.

Conditions:
Hereditary cancer-predisposing syndrome. Also called: Tumor predisposition; Neoplastic Syndromes, Hereditary; Hereditary Cancer Syndrome; Hereditary neoplastic syndrome. Identifiers: Orphanet 140162, MedGen C0027672, MeSH D009386, MONDO:0015356.
Hereditary breast ovarian cancer syndrome. Also called: Hereditary breast and ovarian cancer syndrome (HBOC); Hereditary breast and ovarian cancer syndrome; Hereditary breast and ovarian cancer; Hereditary breast and/or ovarian cancer syndrome; Breast and ovarian cancer; BRCA1- and BRCA2-Associated Hereditary Breast and Ovarian Cancer. Identifiers: Orphanet 145, MedGen C0677776, MeSH D061325, MONDO:0003582. Disease mechanism: loss of function.
Breast-ovarian cancer, familial, susceptibility to, 1 (BROVCA1). Also called: OVARIAN CANCER, SUSCEPTIBILITY TO; BRCA1 Hereditary Breast and Ovarian Cancer. Identifiers: Orphanet 145, MedGen C2676676, MONDO:0011450, OMIM 604370. Disease mechanism: loss of function.

Allele frequency attached by ClinVar (database versions not stated): gnomAD exomes 0.00001 and 0.00004; ExAC 0.00004; ESP Exome Variant Server 0.00015; TOPMed 0.00015; gnomAD 0.00019 and 0.00020; 1000 Genomes Project 0.00020; 1000 Genomes Project 30x 0.00031.
gnomAD v4.1: 32 of 1,614,120 alleles (0.002%); highest among the groups gnomAD compares: African/African-American, 0.04%; no homozygotes.

Submissions (12):

Labcorp Genetics (formerly Invitae), Labcorp
Classification: Likely benign for Hereditary breast ovarian cancer syndrome. Last evaluated: 2026-01-26. Review status: criteria provided, single submitter. Criteria: Invitae Variant Classification Sherloc (09022015). Collection method: clinical testing. Allele origin: germline.

Mayo Clinic Laboratories, Mayo Clinic
Classification: Benign. Last evaluated: 2025-09-30. Review status: criteria provided, single submitter. Criteria: ACMG Guidelines, 2015. Collection method: clinical testing. Allele origin: germline. Observed: 1 variant allele.
Comment: BS1, BP1_strong

Women's Health and Genetics/Laboratory Corporation of America, LabCorp
Classification: Likely benign. Last evaluated: 2025-07-14. Review status: criteria provided, single submitter. Criteria: LabCorp Variant Classification Summary - May 2015. Collection method: clinical testing. Allele origin: germline.
Comment: Variant summary: BRCA1 c.1459G>T (p.Val487Phe) results in a non-conservative amino acid change located in the BRCA1, serine-rich domain (IPR025994) of the encoded protein sequence. Algorithms developed to predict the effect of missense changes on protein structure and function are either unavailable or do not agree on the potential impact of this missense change. The variant allele was found at a frequency of 4e-05 in 251284 control chromosomes, predominantly at a frequency of 0.00062 within the African or African-American subpopulation in the gnomAD database. This frequency is only slightly lower than estimated for a pathogenic variant in BRCA1 causing Hereditary Breast And Ovarian Cancer Syndrome (0.00062 vs 0.001), suggesting that the variant could be a benign polymorphism found primarily in populations of African origin. This variant is also reported in the FLOSSIES database among African American individuals over age 70 with no history of cancer. c.1459G>T has been reported in the literature as a VUS in an individual at high risk for developing breast cancer who underwent BRCA1/2 testing, without evidence to suggest pathogenicity (Mazzonetto_2023). This report does not provide unequivocal conclusions about association of the variant with Hereditary Breast And Ovarian Cancer Syndrome. To our knowledge, no experimental evidence demonstrating an impact on protein function has been reported. The following publication has been ascertained in the context of this evaluation (PMID: 36881271). ClinVar contains an entry for this variant (Variation ID: 37414). Based on the evidence outlined above, the variant was classified as likely benign.

GeneDx
Classification: Uncertain significance. Last evaluated: 2025-02-07. Review status: criteria provided, single submitter. Criteria: GeneDx Variant Classification Process June 2021. Collection method: clinical testing. Allele origin: germline. Affected: yes.
Comment: Observed in a cohort of patients with early-onset breast cancer or a family history of breast and/or ovarian cancer, as well as in at least one individual with advanced cancer in published literature (PMID: 36881271); In silico analysis, which includes protein predictors and evolutionary conservation, supports a deleterious effect; Also known as 1578G>T; This variant is associated with the following publications: (PMID: 31853058, 29884841, 32377563, Villela2022[preprint], 20215511, 9582019, 9926942, 15343273, 10426999, 9788437, 36881271, 28873162)

University of Washington Department of Laboratory Medicine, University of Washington
Classification: Likely benign for Hereditary cancer-predisposing syndrome. Last evaluated: 2023-03-23. Review status: criteria provided, single submitter. Criteria: Dines et al. (Genet Med. 2020). Collection method: curation. Allele origin: germline.
Comment: Missense variant in a coldspot region where missense variants are very unlikely to be pathogenic (PMID:31911673).

BRCA1 coldspot (exon 11 using historical exon numbering). Reclassification based on statistical prior probability

Quest Diagnostics Nichols Institute San Juan Capistrano
Classification: Likely benign. Last evaluated: 2022-10-11. Review status: criteria provided, single submitter. Criteria: Quest Diagnostics criteria. Collection method: clinical testing. Allele origin: unknown.

Sema4
Classification: Uncertain significance for Hereditary cancer-predisposing syndrome. Last evaluated: 2021-11-19. Review status: criteria provided, single submitter. Criteria: Sema4 Curation Guidelines. Collection method: curation. Allele origin: germline.
Comment: The BRCA1 c.1459G>T (p.V487F) variant has been reported in heterozygosity in at least one individual with cancer (PMID: 28873162). This variant was observed in 18/24968 chromosomes in the African/African American population, according to the Genome Aggregation Database (PMID: 32461654). This variant has been reported in ClinVar (Variation ID: 37414). Functional studies have not been performed, and in silico predictions of the variant's effect on protein function are inconclusive. There is no indication that this variant causes disease, but the evidence is insufficient currently to prove that conclusively. The evidence is insufficient to meet ACMG/AMP criteria for classifying the variant as benign or pathogenic. Thus, the clinical significance of this variant is currently uncertain.

Ambry Genetics
Classification: Likely benign for Hereditary cancer-predisposing syndrome. Last evaluated: 2019-12-04. Review status: criteria provided, single submitter. Criteria: Ambry Variant Classification Scheme 2023. Collection method: clinical testing. Allele origin: germline.

Eurofins Ntd Llc (ga)
Classification: Uncertain significance. Last evaluated: 2018-01-09. Review status: criteria provided, single submitter. Criteria: EGL Classification Definitions 2015. Collection method: clinical testing. Allele origin: germline.

Color Diagnostics, LLC DBA Color Health
Classification: Likely benign for Hereditary cancer-predisposing syndrome. Last evaluated: 2017-07-05. Review status: criteria provided, single submitter. Criteria: ACMG Guidelines, 2015. Collection method: clinical testing. Allele origin: germline.

Counsyl
Classification: Uncertain significance for Breast-ovarian cancer, familial, susceptibility to, 1. Last evaluated: 2016-02-12. Review status: no assertion criteria provided. Collection method: clinical testing. Allele origin: unknown. Not counted in ClinVar's aggregate classification.

Sharing Clinical Reports Project (SCRP)
Classification: Likely benign for Breast-ovarian cancer, familial 1. Last evaluated: 2010-09-03. Review status: no assertion criteria provided. Collection method: clinical testing. Allele origin: germline. Not counted in ClinVar's aggregate classification.

Literature cited by the submitters: PubMed 36881271 (cited by Women's Health and Genetics/Laboratory Corporation of America, LabCorp); PubMed 31484976 (cited by Quest Diagnostics Nichols Institute San Juan Capistrano); PubMed 31853058 (cited by Quest Diagnostics Nichols Institute San Juan Capistrano); PubMed 28873162 (cited by Sema4).

NM_007294.4(BRCA1):c.1459G>T (p.Val487Phe)

Gene: BRCA1 (BRCA1 DNA repair associated; minus strand). Cytogenetic location: 17q21.31.
Variant type: single nucleotide variant.
Coding change: c.1459G>T on transcript NM_007294.4 (MANE Select); coding-DNA position 1459, G replaced by T.
Protein change: p.Val487Phe; replaces valine 487 with phenylalanine.
Molecular consequence: missense variant. On other transcripts: intron variant (137).
Genome position (GRCh38, 1-based): chr17:43,094,072, C>A on the plus strand (G>T on the coding strand, the complement: BRCA1 is on the minus strand). VCF-style: chr17-43094072-C-A. GRCh37 (hg19) VCF-style: chr17-41246089-C-A.
Other names: p.V487F:GTT>TTT; p.Val487Phe; 1578G>T; c.787+672G>T (NM_001407980.1, NM_001407993.1, NM_001407976.1 and 19 more transcripts); c.652+672G>T (NM_001408451.1); c.643+672G>T (NM_001408464.1, NM_001408468.1, NM_001408465.1 and 3 more transcripts); c.523+672G>T (NM_001408498.1, NM_001408501.1, NM_001408500.1 and 3 more transcripts); c.646+672G>T (NM_001408467.1, NM_001408459.1, NM_001408455.1 and 11 more transcripts); and 43 more; short protein forms V487F, V440F, V360F, V375F, V439F, V445F, V460F, V191F.
Identifiers: ClinVar variation 37414 (VCV000037414.39), dbSNP rs369588942, ClinGen allele CA000979.